The following is an entry in ClinVar:

ClinVar aggregate classification (germline): Likely benign. Review status: criteria provided, multiple submitters, no conflicts (2 of 4 stars). 2 submissions from 2 submitters: Likely benign (2). Last evaluated 2025-06-20.

Allele frequency attached by ClinVar (database versions not stated): gnomAD 0.00004; TOPMed 0.00004.
gnomAD v4.1: 7 of 1,613,870 alleles (0.00043%); highest among the groups gnomAD compares: African/African-American, 0.0093%; no homozygotes.

Submissions (2):

Mayo Clinic Laboratories, Mayo Clinic
Classification: Likely benign. Last evaluated: 2025-06-20. Review status: criteria provided, single submitter. Criteria: ACMG Guidelines, 2015. Collection method: clinical testing. Allele origin: germline. Observed: 1 variant allele.
Comment: BP4, BP7

Labcorp Genetics (formerly Invitae), Labcorp
Classification: Likely benign. Last evaluated: 2024-01-13. Review status: criteria provided, single submitter. Criteria: Invitae Variant Classification Sherloc (09022015). Collection method: clinical testing. Allele origin: germline.

NM_005245.4(FAT1):c.11064T>C (p.Pro3688=)

Genes: FAT1 (FAT atypical cadherin 1; minus strand), LOC126807254 (BRD4-independent group 4 enhancer GRCh37_chr4:187524269-187525468; plus strand). Cytogenetic location: 4q35.2.
Variant type: single nucleotide variant.
Coding change: c.11064T>C on transcript NM_005245.4 (MANE Select); coding-DNA position 11064, T replaced by C.
Protein change: p.Pro3688=; no amino-acid change (proline 3688 retained).
Molecular consequence: synonymous variant.
Genome position (GRCh38, 1-based): chr4:186,603,462, A>G on the plus strand (T>C on the coding strand, the complement: FAT1 is on the minus strand). VCF-style: chr4-186603462-A-G. GRCh37 (hg19) VCF-style: chr4-187524616-A-G.
Other names: p.Pro3688=.
Identifiers: ClinVar variation 2712235 (VCV002712235.4), dbSNP rs996275505, ClinGen allele CA112157162.